The following is an entry in ClinVar:

NM_001042492.3(NF1):c.6186_6187insG (p.Leu2063fs)

Gene: NF1 (neurofibromin 1; plus strand). Cytogenetic location: 17q11.2.
Variant type: Insertion.
Coding change: c.6186_6187insG on transcript NM_001042492.3 (MANE Select); coding-DNA positions 6186 to 6187, G inserted.
Protein change: p.Leu2063fs; shifts the reading frame from leucine 2063.
Molecular consequence: frameshift variant.
Genome position: GRCh38 VCF-style: chr17-31336673-C-CG. GRCh37 (hg19) VCF-style: chr17-29663691-C-CG.
Other names: c.6123_6124insG, p.Leu2042Valfs (NM_000267.4); short protein forms L2063fs, L2042fs.
Identifiers: ClinVar variation 863626 (VCV000863626.6), dbSNP rs2069682584, ClinGen allele CA916080663.

ClinVar aggregate classification (germline): Pathogenic (1 of 4 stars; one submission).

Conditions:
Neurofibromatosis, type 1 (NF1). Also called: Neurofibromatosis, type I; VON RECKLINGHAUSEN DISEASE; Peripheral type neurofibromatosis; NEUROFIBROMATOSIS, TYPE I, SOMATIC. Identifiers: Orphanet 636, MedGen C0027831, MONDO:0018975, OMIM 162200. Disease mechanism: loss of function.

Submission:

Labcorp Genetics (formerly Invitae), Labcorp
Classification: Pathogenic for Neurofibromatosis, type 1. Last evaluated: 2019-01-22. Review status: criteria provided, single submitter. Criteria: Invitae Variant Classification Sherloc (09022015). Collection method: clinical testing. Allele origin: germline.
Comment: This variant is not present in population databases (ExAC no frequency). This sequence change creates a premature translational stop signal (p.Leu2042Valfs*15) in the NF1 gene. It is expected to result in an absent or disrupted protein product. For these reasons, this variant has been classified as Pathogenic. Loss-of-function variants in NF1 are known to be pathogenic (PMID: 10712197, 23913538). This variant has not been reported in the literature in individuals with NF1-related conditions.

Literature cited by the submitters: PubMed 10712197; PubMed 23913538.